The following is an entry in ClinVar:

ClinVar aggregate classification (germline): Uncertain significance (1 of 4 stars; one submission).

Conditions:
Retinoblastoma (RB1). Also called: RETINOBLASTOMA, SOMATIC. Identifiers: Orphanet 790, MedGen C0035335, MeSH D012175, MONDO:0008380, OMIM 180200, HP:0009919. Disease mechanism: loss of function. Inheritance: Both sporadic and heritable forms are tested..

gnomAD v4.1: 1 of 1,511,896 alleles (0.000066%); highest among the groups gnomAD compares: Non-Finnish European, 0.000088%; no homozygotes.

Submission:

Labcorp Genetics (formerly Invitae), Labcorp
Classification: Uncertain significance for Retinoblastoma. Last evaluated: 2025-07-08. Review status: criteria provided, single submitter. Criteria: Invitae Variant Classification Sherloc (09022015). Collection method: clinical testing. Allele origin: germline.
Comment: This variant occurs in a non-coding region of the RB1 gene. It does not change the encoded amino acid sequence of the RB1 protein. This variant is not present in population databases (gnomAD no frequency). This variant has not been reported in the literature in individuals affected with RB1-related conditions. ClinVar contains an entry for this variant (Variation ID: 3726337). In summary, the available evidence is currently insufficient to determine the role of this variant in disease. Therefore, it has been classified as a Variant of Uncertain Significance.

NM_000321.3(RB1):c.-36T>A

Gene: RB1 (RB transcriptional corepressor 1; plus strand). Cytogenetic location: 13q14.2.
Variant type: single nucleotide variant.
Coding change: c.-36T>A on transcript NM_000321.3 (MANE Select); 36 bases upstream of the start codon, T replaced by A.
Molecular consequence: 5 prime UTR variant.
Genome position (GRCh38, 1-based): chr13:48,303,877, T>A. VCF-style: chr13-48303877-T-A. GRCh37 (hg19) VCF-style: chr13-48878013-T-A.
Other names: c.-36T>A (NM_001407165.1, NM_001407166.1, NM_001407167.1).
Identifiers: ClinVar variation 3726337 (VCV003726337.2).
Genomic context (GRCh38, chr13:48,303,877, plus strand): 5'-GAGTCGGGAGAGGACGGGGCGTGCCCCGACGTGCGCGCGCGTCGTCCTCCCCGGCGCTCC[T>A]CCACAGCTCGCTGGCTCCCGCCGCGGAAAGGCGTCATGCCGCCCAAAACCCCCCGAAAAA-3'